The following is an entry in ClinVar:

ClinVar aggregate classification (germline): Uncertain significance (1 of 4 stars; one submission).

Conditions:
Gastrointestinal stromal tumor. Also called: Gastrointestinal stromal tumor, somatic; Gastrointestinal stroma tumor. Identifiers: Orphanet 44890, MedGen C0238198, MeSH D046152, MONDO:0011719, OMIM 606764, HP:0100723.

Submission:

Labcorp Genetics (formerly Invitae), Labcorp
Classification: Uncertain significance for Gastrointestinal stromal tumor. Last evaluated: 2021-09-12. Review status: criteria provided, single submitter. Criteria: Invitae Variant Classification Sherloc (09022015). Collection method: clinical testing. Allele origin: germline.
Comment: In summary, the available evidence is currently insufficient to determine the role of this variant in disease. Therefore, it has been classified as a Variant of Uncertain Significance. Experimental studies and prediction algorithms are not available or were not evaluated, and the functional significance of this variant is currently unknown. This variant has not been reported in the literature in individuals affected with KIT-related conditions. This variant results in a copy number gain of the genomic region encompassing exon(s) 10-21 of the KIT gene. This region includes the termination codon of the gene. This copy number gain extends beyond the assayed region for this gene and therefore may encompass additional genes. As the precise location of this event is unknown, it may be in tandem or it may be located elsewhere in the genome.

NC_000004.11:g.(?_55593374)_(55604723_?)dup

Gene: KIT (KIT proto-oncogene, receptor tyrosine kinase; plus strand). Cytogenetic location: 4q12.
Variant type: Duplication.
Identifiers: ClinVar variation 1510195 (VCV001510195.11).